The following is an entry in ClinVar:

ClinVar aggregate classification (germline): Uncertain significance (1 of 4 stars; one submission).

Conditions:
Cone-rod dystrophy 6 (CORD6). Also called: RETINAL CONE DYSTROPHY 2; Cone dystrophy progressive. Identifiers: Orphanet 1872, MedGen C1866293, MONDO:0011143, OMIM 601777.
Leber congenital amaurosis 1 (LCA1). Also called: RETINAL BLINDNESS, CONGENITAL; AMAUROSIS CONGENITA OF LEBER I; Congenital absence of the rods and cones; Leber's congenital tapetoretinal degeneration; Leber's congenital tapetoretinal dysplasia. Identifiers: Orphanet 65, MedGen C2931258, MONDO:0008764, OMIM 204000.

Allele frequency attached by ClinVar (database versions not stated): ExAC 0.00001; gnomAD exomes 0.00001.

Submission:

Labcorp Genetics (formerly Invitae), Labcorp
Classification: Uncertain significance for Leber congenital amaurosis 1; Cone-rod dystrophy 6. Last evaluated: 2023-11-06. Review status: criteria provided, single submitter. Criteria: Invitae Variant Classification Sherloc (09022015). Collection method: clinical testing. Allele origin: germline.
Comment: This sequence change replaces alanine, which is neutral and non-polar, with threonine, which is neutral and polar, at codon 367 of the GUCY2D protein (p.Ala367Thr). This variant is present in population databases (rs754954638, gnomAD 0.01%). This missense change has been observed in individual(s) with retinitis pigmentosa (Invitae). ClinVar contains an entry for this variant (Variation ID: 1465970). Advanced modeling of protein sequence and biophysical properties (such as structural, functional, and spatial information, amino acid conservation, physicochemical variation, residue mobility, and thermodynamic stability) performed at Invitae indicates that this missense variant is not expected to disrupt GUCY2D protein function with a negative predictive value of 95%. In summary, the available evidence is currently insufficient to determine the role of this variant in disease. Therefore, it has been classified as a Variant of Uncertain Significance.

NM_000180.4(GUCY2D):c.1099G>A (p.Ala367Thr)

Gene: GUCY2D (guanylate cyclase 2D, retinal; plus strand). Cytogenetic location: 17p13.1.
Variant type: single nucleotide variant.
Coding change: c.1099G>A on transcript NM_000180.4 (MANE Select); coding-DNA position 1099, G replaced by A.
Protein change: p.Ala367Thr; replaces alanine 367 with threonine.
Molecular consequence: missense variant.
Genome position (GRCh38, 1-based): chr17:8,006,435, G>A. VCF-style: chr17-8006435-G-A. GRCh37 (hg19) VCF-style: chr17-7909753-G-A.
Other names: short protein forms A367T.
Identifiers: ClinVar variation 1465970 (VCV001465970.6), dbSNP rs754954638, ClinGen allele CA8365651.